The following is an entry in ClinVar:

ClinVar aggregate classification (germline): Uncertain significance. Review status: criteria provided, single submitter (1 of 4 stars). 3 submissions from 3 submitters: Uncertain significance (1). 2 of the submissions do not count toward it. Last evaluated 2022-04-29.

Allele frequency attached by ClinVar (database versions not stated): gnomAD exomes 0.00017 and 0.00007; gnomAD 0.00001; ExAC 0.00019.
gnomAD v4.1: 114 of 1,614,084 alleles (0.0071%); highest among the groups gnomAD compares: South Asian, 0.12%; no homozygotes.

Submissions (3):

Labcorp Genetics (formerly Invitae), Labcorp
Classification: Uncertain significance. Last evaluated: 2022-04-29. Review status: criteria provided, single submitter. Criteria: Invitae Variant Classification Sherloc (09022015). Collection method: clinical testing. Allele origin: germline.
Comment: This sequence change replaces serine, which is neutral and polar, with glycine, which is neutral and non-polar, at codon 466 of the DMP1 protein (p.Ser466Gly). This variant is present in population databases (rs770626072, gnomAD 0.1%). This variant has not been reported in the literature in individuals affected with DMP1-related conditions. ClinVar contains an entry for this variant (Variation ID: 1205877). Algorithms developed to predict the effect of missense changes on protein structure and function are either unavailable or do not agree on the potential impact of this missense change (SIFT: "Deleterious"; PolyPhen-2: "Not Available"; Align-GVGD: "Class C0"). In summary, the available evidence is currently insufficient to determine the role of this variant in disease. Therefore, it has been classified as a Variant of Uncertain Significance.

Clinical Genetics DNA and cytogenetics Diagnostics Lab, Erasmus MC, Erasmus Medical Center
Classification: Likely benign. Review status: no assertion criteria provided. Collection method: clinical testing. Allele origin: germline. Affected: yes. Study: VKGL Data-share Consensus. Not counted in ClinVar's aggregate classification.

Laboratory of Diagnostic Genome Analysis, Leiden University Medical Center (LUMC)
Classification: Likely benign. Review status: no assertion criteria provided. Collection method: clinical testing. Allele origin: germline. Affected: yes. Study: VKGL Data-share Consensus. Not counted in ClinVar's aggregate classification.

NM_004407.4(DMP1):c.1396A>G (p.Ser466Gly)

Genes: DMP1 (dentin matrix acidic phosphoprotein 1; plus strand), DMP1-AS1 (DMP1 and DSPP antisense RNA 1; minus strand). Cytogenetic location: 4q22.1.
Variant type: single nucleotide variant.
Coding change: c.1396A>G on transcript NM_004407.4 (MANE Select); coding-DNA position 1396, A replaced by G.
Protein change: p.Ser466Gly; replaces serine 466 with glycine.
Molecular consequence: missense variant.
Genome position (GRCh38, 1-based): chr4:87,663,174, A>G. VCF-style: chr4-87663174-A-G. GRCh37 (hg19) VCF-style: chr4-88584326-A-G.
Other names: c.1348A>G, p.Ser450Gly (NM_001079911.3); short protein forms S450G, S466G.
Identifiers: ClinVar variation 1205877 (VCV001205877.5), dbSNP rs770626072, ClinGen allele CA3002193.